The following is an entry in ClinVar:

ClinVar aggregate classification (germline): Uncertain significance. Review status: criteria provided, multiple submitters, no conflicts (2 of 4 stars). 2 submissions from 2 submitters: Uncertain significance (2). Last evaluated 2023-12-16.

Allele frequency attached by ClinVar (database versions not stated): gnomAD exomes below 0.00001.
gnomAD v4.1: 1 of 1,601,850 alleles (0.000062%); highest among the groups gnomAD compares: South Asian, 0.0011%; no homozygotes.

Submissions (2):

Ambry Genetics
Classification: Uncertain significance. Last evaluated: 2023-12-16. Review status: criteria provided, single submitter. Criteria: Ambry Variant Classification Scheme 2023. Collection method: clinical testing. Allele origin: germline.

Labcorp Genetics (formerly Invitae), Labcorp
Classification: Uncertain significance. Last evaluated: 2022-06-27. Review status: criteria provided, single submitter. Criteria: Invitae Variant Classification Sherloc (09022015). Collection method: clinical testing. Allele origin: germline.
Comment: This sequence change replaces proline, which is neutral and non-polar, with serine, which is neutral and polar, at codon 246 of the TNFRSF6B protein (p.Pro246Ser). This variant is not present in population databases (gnomAD no frequency). This variant has not been reported in the literature in individuals affected with TNFRSF6B-related conditions. Algorithms developed to predict the effect of missense changes on protein structure and function output the following: SIFT: "Tolerated"; PolyPhen-2: "Benign"; Align-GVGD: "Class C0". The serine amino acid residue is found in multiple mammalian species, which suggests that this missense change does not adversely affect protein function. In summary, the available evidence is currently insufficient to determine the role of this variant in disease. Therefore, it has been classified as a Variant of Uncertain Significance.

NM_003823.4(TNFRSF6B):c.736C>T (p.Pro246Ser)

Genes: RTEL1-TNFRSF6B (RTEL1-TNFRSF6B readthrough (NMD candidate); plus strand), TNFRSF6B (TNF receptor superfamily member 6b; plus strand). Cytogenetic location: 20q13.33.
Variant type: single nucleotide variant.
Coding change: c.736C>T on transcript NM_003823.4 (MANE Select); coding-DNA position 736, C replaced by T.
Protein change: p.Pro246Ser; replaces proline 246 with serine.
Molecular consequence: missense variant. On other transcripts: non-coding transcript variant (1).
Genome position (GRCh38, 1-based): chr20:63,698,396, C>T. VCF-style: chr20-63698396-C-T. GRCh37 (hg19) VCF-style: chr20-62329749-C-T.
Other names: c.736C>T (NM_003823.3); short protein forms P246S.
Identifiers: ClinVar variation 1350821 (VCV001350821.9), dbSNP rs1374457890, ClinGen allele CA409712064.